The following is an entry in ClinVar:

NM_138927.4(SON):c.5453G>A (p.Arg1818Lys)

Gene: SON (SON DNA and RNA binding protein; plus strand). Cytogenetic location: 21q22.11.
Variant type: single nucleotide variant.
Coding change: c.5453G>A on transcript NM_138927.4 (MANE Select); coding-DNA position 5453, G replaced by A.
Protein change: p.Arg1818Lys; replaces arginine 1818 with lysine.
Molecular consequence: missense variant. On other transcripts: non-coding transcript variant (1), intron variant (1).
Genome position (GRCh38, 1-based): chr21:33,554,684, G>A. VCF-style: chr21-33554684-G-A. GRCh37 (hg19) VCF-style: chr21-34926990-G-A.
Other names: c.5453G>A, p.Arg1818Lys (NM_001291411.2, NM_032195.3); c.245-2472G>A (NM_001291412.3); short protein forms R1818K.
Identifiers: ClinVar variation 4725717 (VCV004725717.1).

ClinVar aggregate classification (germline): Uncertain significance (1 of 4 stars; one submission).

Submission:

Labcorp Genetics (formerly Invitae), Labcorp
Classification: Uncertain significance. Last evaluated: 2025-08-20. Review status: criteria provided, single submitter. Criteria: Invitae Variant Classification Sherloc (09022015). Collection method: clinical testing. Allele origin: germline.
Comment: This sequence change replaces arginine, which is basic and polar, with lysine, which is basic and polar, at codon 1818 of the SON protein (p.Arg1818Lys). This variant is not present in population databases (gnomAD no frequency). This variant has not been reported in the literature in individuals affected with SON-related conditions. An algorithm developed to predict the effect of missense changes on protein structure and function outputs the following: PolyPhen-2: "Not Available". The lysine amino acid residue is found in multiple mammalian species, which suggests that this missense change does not adversely affect protein function. In summary, the available evidence is currently insufficient to determine the role of this variant in disease. Therefore, it has been classified as a Variant of Uncertain Significance.